The following is an entry in ClinVar:

ClinVar aggregate classification (germline): Uncertain significance (1 of 4 stars; one submission).

Conditions:
Familial thoracic aortic aneurysm and aortic dissection (TAAD). Also called: Thoracic aortic aneurysms and dissections. Identifiers: Orphanet 91387, MedGen C4707243, MONDO:0019625.

gnomAD v4.1: 2 of 1,612,594 alleles (0.00012%); highest among the groups gnomAD compares: Non-Finnish European, 0.00017%; no homozygotes.

Submission:

Ambry Genetics
Classification: Uncertain significance for Familial thoracic aortic aneurysm and aortic dissection. Last evaluated: 2026-08-24. Review status: criteria provided, single submitter. Criteria: Ambry Variant Classification Scheme 2023. Collection method: clinical testing. Allele origin: germline.
Comment: The p.Q165R variant (also known as c.494A>G), located in coding exon 4 of the FBN2 gene, results from an A to G substitution at nucleotide position 494. The glutamine at codon 165 is replaced by arginine, an amino acid with highly similar properties. This amino acid position is conserved. In addition, this alteration is predicted to be tolerated by in silico analysis. Based on the available evidence, the clinical significance of this variant remains unclear.

NM_001999.4(FBN2):c.494A>G (p.Gln165Arg)

Gene: FBN2 (fibrillin 2; minus strand). Cytogenetic location: 5q23.3.
Variant type: single nucleotide variant.
Coding change: c.494A>G on transcript NM_001999.4 (MANE Select); coding-DNA position 494, A replaced by G.
Protein change: p.Gln165Arg; replaces glutamine 165 with arginine.
Molecular consequence: missense variant.
Genome position (GRCh38, 1-based): chr5:128,527,910, T>C on the plus strand (A>G on the coding strand, the complement: FBN2 is on the minus strand). VCF-style: chr5-128527910-T-C. GRCh37 (hg19) VCF-style: chr5-127863603-T-C.
Other names: short protein forms Q165R.
Identifiers: ClinVar variation 5021639 (VCV005021639.1).
Genomic context (GRCh38, chr5:128,527,910, plus strand): 5'-CTAATAAATCAATGTCCCTTACGTTGTCCACAATAAGTTCCAATATATCCTTTCTGGCAC[T>C]GGCAGTGGTCATCTGCACAGGTCCCACCATTCATGCATCTCACACTGCACTGCTGAACTG-3'
Protein context (NP_001990.2, residues 155-175): NGGTCADDHC[Gln165Arg]CQKGYIGTYC